The following is an entry in ClinVar:

ClinVar aggregate classification (germline): Uncertain significance (1 of 4 stars; one submission).

Conditions:
Inflammatory skin and bowel disease, neonatal, 1. Identifiers: Orphanet 294023, MedGen C3280501, MONDO:0013693, OMIM 614328.

Allele frequency attached by ClinVar (database versions not stated): gnomAD exomes below 0.00001; gnomAD 0.00001; TOPMed 0.00002.
gnomAD v4.1: 7 of 1,613,964 alleles (0.00043%); highest among the groups gnomAD compares: African/African-American, 0.004%; no homozygotes.

Submission:

Labcorp Genetics (formerly Invitae), Labcorp
Classification: Uncertain significance for Inflammatory skin and bowel disease, neonatal, 1. Last evaluated: 2024-12-09. Review status: criteria provided, single submitter. Criteria: Invitae Variant Classification Sherloc (09022015). Collection method: clinical testing. Allele origin: germline.
Comment: This sequence change replaces proline, which is neutral and non-polar, with leucine, which is neutral and non-polar, at codon 556 of the ADAM17 protein (p.Pro556Leu). This variant is present in population databases (no rsID available, gnomAD 0.0009%). This variant has not been reported in the literature in individuals affected with ADAM17-related conditions. ClinVar contains an entry for this variant (Variation ID: 1346913). An algorithm developed to predict the effect of missense changes on protein structure and function (PolyPhen-2) suggests that this variant is likely to be disruptive. In summary, the available evidence is currently insufficient to determine the role of this variant in disease. Therefore, it has been classified as a Variant of Uncertain Significance.

NM_003183.6(ADAM17):c.1667C>T (p.Pro556Leu)

Genes: ADAM17 (ADAM metallopeptidase domain 17; minus strand), IAH1 (isoamyl acetate hydrolyzing esterase 1 (putative); plus strand). Cytogenetic location: 2p25.1.
Variant type: single nucleotide variant.
Coding change: c.1667C>T on transcript NM_003183.6 (MANE Select); coding-DNA position 1667, C replaced by T.
Protein change: p.Pro556Leu; replaces proline 556 with leucine.
Molecular consequence: missense variant.
Genome position (GRCh38, 1-based): chr2:9,497,230, G>A on the plus strand (C>T on the coding strand, the complement: ADAM17 is on the minus strand). VCF-style: chr2-9497230-G-A. GRCh37 (hg19) VCF-style: chr2-9637359-G-A.
Other names: c.1007C>T, p.Pro336Leu (NM_001382777.1); c.770C>T, p.Pro257Leu (NM_001382778.1); short protein forms P556L, P257L, P336L.
Identifiers: ClinVar variation 1346913 (VCV001346913.7), dbSNP rs1394373815, ClinGen allele CA345775838.